The following is an entry in ClinVar:

ClinVar aggregate classification (germline): Uncertain significance (1 of 4 stars; one submission).

Conditions:
Hypertrophic cardiomyopathy. Also called: HYPERTROPHIC MYOCARDIOPATHY. Identifiers: Orphanet 217569, MedGen C0007194, MeSH D002312, MONDO:0005045, HP:0001639.

Submission:

All of Us Research Program, National Institutes of Health
Classification: Uncertain significance for Hypertrophic cardiomyopathy. Last evaluated: 2023-08-23. Review status: criteria provided, single submitter. Criteria: ACMG Guidelines, 2015. Collection method: clinical testing. Allele origin: germline. Inheritance: Autosomal dominant inheritance. Observed: 1 variant allele, 1 heterozygote.
Comment: This missense variant replaces alanine with valine at codon 701 of the MYBPC3 protein. Computational prediction suggests that this variant may not impact protein structure and function (internally defined REVEL score threshold <= 0.5, PMID: 27666373). To our knowledge, functional studies have not been reported for this variant. This variant has not been reported in individuals affected with MYBPC3-related disorders in the literature. This variant has not been identified in the general population by the Genome Aggregation Database (gnomAD). The available evidence is insufficient to determine the role of this variant in disease conclusively. Therefore, this variant is classified as a Variant of Uncertain Significance.

This study involves interpretation of variants in research participants for the purpose of population health screening. Participant phenotype was not available at the time of variant classification. Additional details can be found in publication PMID: 35346344, PMCID: PMC8962531

NM_000256.3(MYBPC3):c.2102C>T (p.Ala701Val)

Gene: MYBPC3 (myosin binding protein C3; minus strand). Cytogenetic location: 11p11.2.
Variant type: single nucleotide variant.
Coding change: c.2102C>T on transcript NM_000256.3 (MANE Select); coding-DNA position 2102, C replaced by T.
Protein change: p.Ala701Val; replaces alanine 701 with valine.
Molecular consequence: missense variant.
Genome position (GRCh38, 1-based): chr11:47,339,370, G>A on the plus strand (C>T on the coding strand, the complement: MYBPC3 is on the minus strand). VCF-style: chr11-47339370-G-A. GRCh37 (hg19) VCF-style: chr11-47360921-G-A.
Other names: short protein forms A701V.
Identifiers: ClinVar variation 3073147 (VCV003073147.1), dbSNP rs2495754680, ClinGen allele CA380321013.
Genomic context (GRCh38, chr11:47,339,370, plus strand): 5'-TCAGTCTCACTCACCTTCTTGTCAAACACCCACTCATCGCTGTCACCTGTGTCCTCTGGG[G>A]CATCTGGGGCTGGCCTGGCTGGGGCCTTATTCCCCTGGGAACAGGGCAGGAGGGAAGTAG-3'
Protein context (NP_000247.2, residues 691-711): NKAPARPAPD[Ala701Val]PEDTGDSDEW